The following is an entry in ClinVar:

ClinVar aggregate classification (germline): Uncertain significance. Review status: criteria provided, multiple submitters, no conflicts (2 of 4 stars). 2 submissions from 2 submitters: Uncertain significance (2). Last evaluated 2025-06-19.

Conditions:
Hereditary cancer-predisposing syndrome. Also called: Neoplastic Syndromes, Hereditary; Hereditary Cancer Syndrome; Hereditary neoplastic syndrome; Tumor predisposition. Identifiers: Orphanet 140162, MedGen C0027672, MeSH D009386, MONDO:0015356.
Mitochondrial complex II deficiency, nuclear type 1. Also called: SUCCINATE CoQ REDUCTASE DEFICIENCY. Identifiers: Orphanet 3208, MedGen C5700310, MONDO:0100294, OMIM 252011.
Pheochromocytoma/paraganglioma syndrome 5. Also called: Paragangliomas 5; SDHA-Related Hereditary Paraganglioma-Pheochromocytoma Syndrome. Identifiers: Orphanet 29072, MedGen C3279992, MONDO:0013602, OMIM 614165.

Allele frequency attached by ClinVar (database versions not stated): gnomAD exomes below 0.00001; ExAC 0.00001; TOPMed 0.00003; gnomAD 0.00004.

Submissions (2):

Labcorp Genetics (formerly Invitae), Labcorp
Classification: Uncertain significance for Pheochromocytoma/paraganglioma syndrome 5; Mitochondrial complex II deficiency, nuclear type 1. Last evaluated: 2025-06-19. Review status: criteria provided, single submitter. Criteria: Invitae Variant Classification Sherloc (09022015). Collection method: clinical testing. Allele origin: germline.
Comment: This sequence change replaces serine, which is neutral and polar, with asparagine, which is neutral and polar, at codon 214 of the SDHA protein (p.Ser214Asn). This variant is present in population databases (rs755432673, gnomAD 0.008%). This variant has not been reported in the literature in individuals affected with SDHA-related conditions. ClinVar contains an entry for this variant (Variation ID: 486389). Invitae Evidence Modeling of protein sequence and biophysical properties (such as structural, functional, and spatial information, amino acid conservation, physicochemical variation, residue mobility, and thermodynamic stability) indicates that this missense variant is not expected to disrupt SDHA protein function with a negative predictive value of 95%. In summary, the available evidence is currently insufficient to determine the role of this variant in disease. Therefore, it has been classified as a Variant of Uncertain Significance.

Ambry Genetics
Classification: Uncertain significance for Hereditary cancer-predisposing syndrome. Last evaluated: 2024-10-19. Review status: criteria provided, single submitter. Criteria: Ambry Variant Classification Scheme 2023. Collection method: clinical testing. Allele origin: germline.
Comment: The p.S214N variant (also known as c.641G>A), located in coding exon 6 of the SDHA gene, results from a G to A substitution at nucleotide position 641. The serine at codon 214 is replaced by asparagine, an amino acid with highly similar properties. This amino acid position is well conserved in available vertebrate species. In addition, this alteration is predicted to be tolerated by in silico analysis. Since supporting evidence is limited at this time, the clinical significance of this alteration remains unclear.

NM_004168.4(SDHA):c.641G>A (p.Ser214Asn)

Gene: SDHA (succinate dehydrogenase complex flavoprotein subunit A; plus strand). Cytogenetic location: 5p15.33.
Variant type: single nucleotide variant.
Coding change: c.641G>A on transcript NM_004168.4 (MANE Select); coding-DNA position 641, G replaced by A.
Protein change: p.Ser214Asn; replaces serine 214 with asparagine.
Molecular consequence: missense variant.
Genome position (GRCh38, 1-based): chr5:228,204, G>A. VCF-style: chr5-228204-G-A. GRCh37 (hg19) VCF-style: chr5-228319-G-A.
Other names: c.497G>A, p.Ser166Asn (NM_001294332.2); c.641G>A, p.Ser214Asn (NM_001330758.2); short protein forms S214N, S166N.
Identifiers: ClinVar variation 486389 (VCV000486389.14), dbSNP rs755432673, ClinGen allele CA3172933.